The following is an entry in ClinVar:

NM_001127671.2(LIFR):c.1622C>T (p.Thr541Ile)

Gene: LIFR (LIF receptor subunit alpha; minus strand). Cytogenetic location: 5p13.1.
Variant type: single nucleotide variant.
Coding change: c.1622C>T on transcript NM_001127671.2 (MANE Select); coding-DNA position 1622, C replaced by T.
Protein change: p.Thr541Ile; replaces threonine 541 with isoleucine.
Molecular consequence: missense variant.
Genome position (GRCh38, 1-based): chr5:38,499,562, G>A on the plus strand (C>T on the coding strand, the complement: LIFR is on the minus strand). VCF-style: chr5-38499562-G-A. GRCh37 (hg19) VCF-style: chr5-38499664-G-A.
Other names: c.1622C>T, p.Thr541Ile (NM_001364297.2, NM_001364298.2, NM_002310.6); short protein forms T541I.
Identifiers: ClinVar variation 2175436 (VCV002175436.4), dbSNP rs1745068613, ClinGen allele CA359541477.

ClinVar aggregate classification (germline): Uncertain significance (1 of 4 stars; one submission).

Submission:

Labcorp Genetics (formerly Invitae), Labcorp
Classification: Uncertain significance. Last evaluated: 2022-05-20. Review status: criteria provided, single submitter. Criteria: Invitae Variant Classification Sherloc (09022015). Collection method: clinical testing. Allele origin: germline.
Comment: In summary, the available evidence is currently insufficient to determine the role of this variant in disease. Therefore, it has been classified as a Variant of Uncertain Significance. Algorithms developed to predict the effect of missense changes on protein structure and function output the following: SIFT: "Tolerated"; PolyPhen-2: "Benign"; Align-GVGD: "Class C0". The isoleucine amino acid residue is found in multiple mammalian species, which suggests that this missense change does not adversely affect protein function. This sequence change replaces threonine, which is neutral and polar, with isoleucine, which is neutral and non-polar, at codon 541 of the LIFR protein (p.Thr541Ile). This variant has not been reported in the literature in individuals affected with LIFR-related conditions. This variant is not present in population databases (gnomAD no frequency).